The following is an entry in ClinVar:

ClinVar aggregate classification (germline): Pathogenic (1 of 4 stars; one submission).

Conditions:
Familial intrahepatic cholestasis. Identifiers: Orphanet 284385, MedGen CN296401, MONDO:0017290.

Submission:

Genomenon, Inc
Classification: Pathogenic for Familial intrahepatic cholestasis. Last evaluated: 2026-04-14. Review status: criteria provided, single submitter. Criteria: Genomenon Sequence Variant Interpretation Standards - Updated. Collection method: curation. Allele origin: germline. Affected: yes.
Comment: ABCB4 c.81-1G>A is a canonical splice variant affecting the acceptor splice site of intron 2. It is predicted to affect mRNA splicing, leading to a deleterious effect on the ABCB4 protein. This variant has been observed in at least one proband with an ABCB4-related disorder (PMID:28733223). It is absent or not present at a significant frequency in gnomAD. In conclusion, we classify ABCB4 c.81-1G>A as a pathogenic variant.

Literature cited by the submitters: PubMed 28733223.

NM_000443.4(ABCB4):c.81-1G>A

Gene: ABCB4 (ATP binding cassette subfamily B member 4; minus strand). Cytogenetic location: 7q21.12.
Variant type: single nucleotide variant.
Coding change: c.81-1G>A on transcript NM_000443.4 (MANE Select); the canonical splice acceptor site of the intron before coding-DNA position 81, G replaced by A.
Molecular consequence: splice acceptor variant.
Genome position (GRCh38, 1-based): chr7:87,472,676, C>T on the plus strand (G>A on the coding strand, the complement: ABCB4 is on the minus strand). VCF-style: chr7-87472676-C-T. GRCh37 (hg19) VCF-style: chr7-87101992-C-T.
Other names: c.81-1G>A (NM_018850.3, NM_018849.3).
Identifiers: ClinVar variation 4846377 (VCV004846377.1).
Genomic context (GRCh38, chr7:87,472,676, plus strand): 5'-CTTACCAATGTTAATACTCCAATCATTTTCACTGTCTTCGTTTTTTTCCTTTTTTGTTTG[C>T]TGTAAAAAATAGAATTGCTTCAATTTAAAACTGTTACAAAATGTTTTACAATCAATTGAA-3'